The following is an entry in ClinVar:

NM_152296.5(ATP1A3):c.1279C>G (p.Gln427Glu)

Gene: ATP1A3 (ATPase Na+/K+ transporting subunit alpha 3; minus strand). Cytogenetic location: 19q13.2.
Variant type: single nucleotide variant.
Coding change: c.1279C>G on transcript NM_152296.5 (MANE Select); coding-DNA position 1279, C replaced by G.
Protein change: p.Gln427Glu; replaces glutamine 427 with glutamic acid.
Molecular consequence: missense variant.
Genome position (GRCh38, 1-based): chr19:41,981,745, G>C on the plus strand (C>G on the coding strand, the complement: ATP1A3 is on the minus strand). VCF-style: chr19-41981745-G-C. GRCh37 (hg19) VCF-style: chr19-42485897-G-C.
Other names: c.1312C>G, p.Gln438Glu (NM_001256213.2); c.1318C>G, p.Gln440Glu (NM_001256214.2); short protein forms Q438E, Q427E, Q440E.
Identifiers: ClinVar variation 1037181 (VCV001037181.8), dbSNP rs2075234284, ClinGen allele CA406050266.

ClinVar aggregate classification (germline): Uncertain significance (1 of 4 stars; one submission).

Conditions:
Dystonia 12 (DYT12). Also called: Rapid-Onset Dystonia-Parkinsonism (RDP); DYT-ATP1A3. Identifiers: Orphanet 71517, MedGen C1868681, MONDO:0007496, OMIM 128235.

Submission:

Labcorp Genetics (formerly Invitae), Labcorp
Classification: Uncertain significance for Dystonia 12. Last evaluated: 2020-11-05. Review status: criteria provided, single submitter. Criteria: Invitae Variant Classification Sherloc (09022015). Collection method: clinical testing. Allele origin: germline.
Comment: This sequence change replaces glutamine with glutamic acid at codon 427 of the ATP1A3 protein (p.Gln427Glu). The glutamine residue is moderately conserved and there is a small physicochemical difference between glutamine and glutamic acid. In summary, the available evidence is currently insufficient to determine the role of this variant in disease. Therefore, it has been classified as a Variant of Uncertain Significance. Advanced modeling of protein sequence and biophysical properties (such as structural, functional, and spatial information, amino acid conservation, physicochemical variation, residue mobility, and thermodynamic stability) performed at Invitae indicates that this missense variant is not expected to disrupt ATP1A3 protein function. This variant has not been reported in the literature in individuals with ATP1A3-related conditions. This variant is not present in population databases (ExAC no frequency).